The following is an entry in ClinVar:

ClinVar aggregate classification (germline): Conflicting classifications of pathogenicity. Review status: criteria provided, conflicting classifications (1 of 4 stars). 3 submissions from 3 submitters: Likely pathogenic (2); Uncertain significance (1). Last evaluated 2026-06-11.

Conditions:
Odonto-onycho-dermal dysplasia. Identifiers: Orphanet 2721, MedGen C0796093, MONDO:0009773, OMIM 257980.
Tooth agenesis, selective, 4 (STHAG4). Also called: SUCCEDANEOUS TEETH, AGENESIS OF; TOOTH AGENESIS, SELECTIVE, 4, WITH OR WITHOUT ECTODERMAL DYSPLASIA; LATERAL INCISORS, ABSENCE OF; LATERAL INCISORS, PEGGED OR MISSING. Identifiers: Orphanet 99798, MedGen C1835492, MONDO:0007881, OMIM 150400. Disease mechanism: loss of function.

Allele frequency attached by ClinVar (database versions not stated): gnomAD exomes below 0.00001.
gnomAD v4.1: 10 of 1,614,218 alleles (0.00062%); highest among the groups gnomAD compares: Non-Finnish European, 0.00085%; no homozygotes.

Submissions (3):

Lupski Lab, Baylor-Hopkins CMG, Baylor College of Medicine
Classification: Likely pathogenic for Odonto-onycho-dermal dysplasia. Last evaluated: 2026-06-11. Review status: criteria provided, single submitter. Criteria: ACMG Guidelines, 2015. Collection method: research. Allele origin: maternal, paternal, germline. Inheritance: Autosomal recessive inheritance. Affected: yes and no. Observed: 6 variant alleles, 2 heterozygotes, 4 compound heterozygotes. Clinical features observed: Sciatica (HP:0011868), Sensorimotor neuropathy (HP:0007141), Hypoesthesia (HP:0033748), Dry skin (HP:0000958), Thin skin (HP:0000963), Sparse eyelashes (HP:0000653), Fine hair (HP:0002213), Sparse body hair (HP:0002231), Sparse eyebrow (HP:0045075), Concave nail (HP:0001598), Thin fingernail (HP:0012742), Tooth agenesis (HP:0009804), and 27 more.
Comment: This c.318C>G variant was observed in 2 unrelated individuals in our cohort with Ectodermal Dysplasia 16. This variant is absent in gnomAD (PM2_Supporting= +1pt). It has an AlphaMissense score of 0.998 (PP3_Moderate= +2pts). According to Varsome, it is located within a hot-spot length of 17 amino acids that 14 VUS/Pathogenic variants and 0 benign (PM1_Moderate= +2pts). 7 pts (PM2 +1, PP3 +2, PM1 +2, PM3 +2).

Labcorp Genetics (formerly Invitae), Labcorp
Classification: Likely pathogenic for Tooth agenesis, selective, 4; Odonto-onycho-dermal dysplasia. Last evaluated: 2024-08-05. Review status: criteria provided, single submitter. Criteria: Invitae Variant Classification Sherloc (09022015). Collection method: clinical testing. Allele origin: germline.
Comment: This sequence change replaces asparagine, which is neutral and polar, with lysine, which is basic and polar, at codon 106 of the WNT10A protein (p.Asn106Lys). This variant is present in population databases (no rsID available, gnomAD 0.0009%). This missense change has been observed in individuals with clinical features of WNT10A-related conditions (PMID: 29314690, 34593752; Invitae). ClinVar contains an entry for this variant (Variation ID: 1319612). Advanced modeling of protein sequence and biophysical properties (such as structural, functional, and spatial information, amino acid conservation, physicochemical variation, residue mobility, and thermodynamic stability) performed at Invitae indicates that this missense variant is expected to disrupt WNT10A protein function with a positive predictive value of 80%. In summary, the currently available evidence indicates that the variant is pathogenic, but additional data are needed to prove that conclusively. Therefore, this variant has been classified as Likely Pathogenic.

Institute for Clinical Genetics, University Hospital TU Dresden, University Hospital TU Dresden
Classification: Uncertain significance. Last evaluated: 2021-11-03. Review status: criteria provided, single submitter. Criteria: ACMG Guidelines, 2015. Collection method: clinical testing. Allele origin: germline.

Literature cited by the submitters: PubMed 29314690 (cited by Labcorp Genetics (formerly Invitae), Labcorp); PubMed 34593752 (cited by Labcorp Genetics (formerly Invitae), Labcorp).

NM_025216.3(WNT10A):c.318C>G (p.Asn106Lys)

Gene: WNT10A (Wnt family member 10A; plus strand). Cytogenetic location: 2q35.
Variant type: single nucleotide variant.
Coding change: c.318C>G on transcript NM_025216.3 (MANE Select); coding-DNA position 318, C replaced by G.
Protein change: p.Asn106Lys; replaces asparagine 106 with lysine.
Molecular consequence: missense variant.
Genome position (GRCh38, 1-based): chr2:218,882,365, C>G. VCF-style: chr2-218882365-C-G. GRCh37 (hg19) VCF-style: chr2-219747087-C-G.
Other names: short protein forms N106K.
Identifiers: ClinVar variation 1319612 (VCV001319612.7), dbSNP rs1283426045, ClinGen allele CA350619079.